The following is an entry in ClinVar:

NM_006648.4(WNK2):c.4799G>T (p.Gly1600Val)

Gene: WNK2 (WNK lysine deficient protein kinase 2; plus strand). Cytogenetic location: 9q22.31.
Variant type: single nucleotide variant.
Coding change: c.4799G>T on transcript NM_006648.4 (MANE Select); coding-DNA position 4799, G replaced by T.
Protein change: p.Gly1600Val; replaces glycine 1600 with valine.
Molecular consequence: missense variant.
Genome position (GRCh38, 1-based): chr9:93,289,553, G>T. VCF-style: chr9-93289553-G-T. GRCh37 (hg19) VCF-style: chr9-96051835-G-T.
Other names: c.4910G>T, p.Gly1637Val (NM_001282394.3); short protein forms G1600V, G1637V.
Identifiers: ClinVar variation 3981964 (VCV003981964.1).

ClinVar aggregate classification (germline): Uncertain significance (1 of 4 stars; one submission).

gnomAD v4.1: 2 of 1,563,602 alleles (0.00013%); highest among the groups gnomAD compares: Non-Finnish European, 0.00017%; no homozygotes.

Submission:

Ambry Genetics
Classification: Uncertain significance. Last evaluated: 2025-05-02. Review status: criteria provided, single submitter. Criteria: Ambry Variant Classification Scheme 2023. Collection method: clinical testing. Allele origin: germline.
Comment: The p.G1600V variant (also known as c.4799G>T), located in coding exon 19 of the WNK2 gene, results from a G to T substitution at nucleotide position 4799. The glycine at codon 1600 is replaced by valine, an amino acid with dissimilar properties. This amino acid position is conserved. In addition, this alteration is predicted to be tolerated by in silico analysis. Based on the available evidence, the clinical significance of this variant remains unclear.